The following is an entry in ClinVar:

NM_032119.4(ADGRV1):c.8620C>G (p.Gln2874Glu)

Gene: ADGRV1 (adhesion G protein-coupled receptor V1; plus strand). Cytogenetic location: 5q14.3.
Variant type: single nucleotide variant.
Coding change: c.8620C>G on transcript NM_032119.4 (MANE Select); coding-DNA position 8620, C replaced by G.
Protein change: p.Gln2874Glu; replaces glutamine 2874 with glutamic acid.
Molecular consequence: missense variant. On other transcripts: non-coding transcript variant (1).
Genome position (GRCh38, 1-based): chr5:90,706,284, C>G. VCF-style: chr5-90706284-C-G. GRCh37 (hg19) VCF-style: chr5-90002101-C-G.
Other names: c.8620C>G (NM_032119.3); short protein forms Q2874E.
Identifiers: ClinVar variation 1002248 (VCV001002248.7), dbSNP rs758834029, ClinGen allele CA3340303.

ClinVar aggregate classification (germline): Uncertain significance. Review status: criteria provided, multiple submitters, no conflicts (2 of 4 stars). 2 submissions from 2 submitters: Uncertain significance (2). Last evaluated 2025-08-31.

Conditions:
Inborn genetic diseases. Identifiers: MedGen C0950123, MeSH D030342.

Allele frequency attached by ClinVar (database versions not stated): ExAC 0.00001.
gnomAD v4.1: 4 of 1,613,296 alleles (0.00025%); highest among the groups gnomAD compares: Middle Eastern, 0.017%; no homozygotes.

Submissions (2):

Ambry Genetics
Classification: Uncertain significance for Inborn genetic diseases. Last evaluated: 2025-08-31. Review status: criteria provided, single submitter. Criteria: Ambry Variant Classification Scheme 2023. Collection method: clinical testing. Allele origin: germline.

Labcorp Genetics (formerly Invitae), Labcorp
Classification: Uncertain significance. Last evaluated: 2021-08-24. Review status: criteria provided, single submitter. Criteria: Invitae Variant Classification Sherloc (09022015). Collection method: clinical testing. Allele origin: germline.
Comment: This sequence change replaces glutamine with glutamic acid at codon 2874 of the ADGRV1 protein (p.Gln2874Glu). The glutamine residue is moderately conserved and there is a small physicochemical difference between glutamine and glutamic acid. This variant is present in population databases (rs758834029, ExAC 0.002%). This variant has not been reported in the literature in individuals affected with ADGRV1-related conditions. Algorithms developed to predict the effect of missense changes on protein structure and function output the following: SIFT: "Tolerated"; PolyPhen-2: "Possibly Damaging"; Align-GVGD: "Class C0". The glutamic acid amino acid residue is found in multiple mammalian species, which suggests that this missense change does not adversely affect protein function. In summary, the available evidence is currently insufficient to determine the role of this variant in disease. Therefore, it has been classified as a Variant of Uncertain Significance.